The following is an entry in ClinVar:

ClinVar aggregate classification (germline): Pathogenic. Review status: criteria provided, multiple submitters, no conflicts (2 of 4 stars). 13 submissions from 13 submitters: Pathogenic (12). 1 of the submissions does not count toward it. Last evaluated 2026-03-17.

Conditions:
OPA1-related disorder. Also called: OPA1-related condition; OPA1-related disorders.
Inborn genetic diseases. Identifiers: MedGen C0950123, MeSH D030342.
Optic atrophy. Identifiers: MedGen C0029124, MONDO:0003608, HP:0000648.
Stargardt disease (FFM). Also called: Fundus flavimaculatus; Stargardt's disease. Identifiers: Orphanet 827, MedGen C0271093, MONDO:0019353.
Autosomal dominant optic atrophy classic form (OPA1). Also called: Optic Atrophy Type 1; OPTIC ATROPHY, JUVENILE; KJER-TYPE OPTIC ATROPHY. Identifiers: Orphanet 98673, MedGen C0338508, MONDO:0008134, OMIM 165500.

Submissions (13):

PreventionGenetics, part of Exact Sciences
Classification: Pathogenic for OPA1-related condition. Last evaluated: 2026-03-17. Review status: criteria provided, single submitter. Criteria: ACMG Guidelines, 2015. Collection method: clinical testing. Allele origin: germline.
Comment: The OPA1 c.800_801delAA variant is predicted to result in a frameshift and premature protein termination (p.Lys267Argfs*4). This variant can also be denoted as c.635_636delAA (p.Lys212Argfs*4) in transcript NM_015560. This variant has been reported to segregate with disease in multiple kindreds with autosomal dominant optic atrophy (Toomes et al. 2001. PubMed ID: 11440989; de Castro-Miró et al. 2016. PubMed ID: 28005958). Additionally this variant has been reported in large cohort studies of optic neuropathy and retinal disease (Table S2, Charif et al. 2021. PubMed ID: 33841295; Table S1, Lin et al. 2024. PubMed ID: 38219857). This variant is present in 0.0062% of alleles in individuals of African descent in gnomAD. Frameshift variants in OPA1 are an established mechanism of disease, and this variant has been classified as pathogenic in the ClinVar database (Variation ID: 198219). Given the evidence, we interpret this variant as pathogenic for autosomal dominant disease.

Labcorp Genetics (formerly Invitae), Labcorp
Classification: Pathogenic. Last evaluated: 2025-08-12. Review status: criteria provided, single submitter. Criteria: Invitae Variant Classification Sherloc (09022015). Collection method: clinical testing. Allele origin: germline.
Comment: This sequence change creates a premature translational stop signal (p.Lys212Argfs*4) in the OPA1 gene. It is expected to result in an absent or disrupted protein product. Loss-of-function variants in OPA1 are known to be pathogenic (PMID: 11440988, 20157015, 20952381, 25012220). This variant is present in population databases (rs778041035, gnomAD 0.007%). This premature translational stop signal has been observed in individual(s) with OPA1-related conditions (PMID: 11440989, 28005958). This variant is also known as 635del(AA) or c.800_801delAA p.K267Rfs*4. ClinVar contains an entry for this variant (Variation ID: 198219). For these reasons, this variant has been classified as Pathogenic.

Revvity Omics, Revvity
Classification: Pathogenic. Last evaluated: 2025-05-28. Review status: criteria provided, single submitter. Criteria: ACMG Guidelines, 2015. Collection method: clinical testing. Allele origin: germline.

GeneDx
Classification: Pathogenic. Last evaluated: 2023-06-15. Review status: criteria provided, single submitter. Criteria: GeneDx Variant Classification Process June 2021. Collection method: clinical testing. Allele origin: germline. Affected: yes.
Comment: Frameshift variant predicted to result in protein truncation or nonsense mediated decay in a gene for which loss-of-function is a known mechanism of disease; Not observed at a significant frequency in large population cohorts (gnomAD); This variant is associated with the following publications: (PMID: 20639189, 11440989, 28005958, 16158427, 20417570, 20157015, 33841295, 32488064, 33084218, 34242285, 23384603)

Athena Diagnostics
Classification: Pathogenic. Last evaluated: 2022-12-08. Review status: criteria provided, single submitter. Criteria: Athena Diagnostics Criteria. Collection method: clinical testing. Allele origin: unknown.
Comment: This variant is expected to result in the loss of a functional protein. The frequency of this variant in the general population is consistent with pathogenicity. This variant has been identified in at least one individual with clinical features associated with optic atrophy.

Ambry Genetics
Classification: Pathogenic for Inborn genetic diseases. Last evaluated: 2022-12-01. Review status: criteria provided, single submitter. Criteria: Ambry Variant Classification Scheme 2023. Collection method: clinical testing. Allele origin: germline.
Comment: The c.635_636delAA (p.K212Rfs*4) alteration, located in exon 6 (coding exon 6) of the OPA1 gene, consists of a deletion of 2 nucleotides from position 635 to 636, causing a translational frameshift with a predicted alternate stop codon after 4 amino acids. This alteration is expected to result in loss of function by premature protein truncation or nonsense-mediated mRNA decay._x000D_ _x000D_ Based on the available evidence, the OPA1 c.635_636delAA (p.K212Rfs*4) alteration is classified as pathogenic for autosomal dominant OPA1-related optic atrophy and autosomal recessive Behr syndrome; however, the association of this alteration with autosomal dominant OPA1-related optic atrophy plus syndrome is unknown. This allele was reported in one heterozygous individual in population-based cohorts in the Genome Aggregation Database (gnomAD). The alteration has been previously observed in multiple affected individuals with features of various OPA1-related disorders (Toomes, 2001;Yu-Wai-Man, 2010; Castro-Miro, 2016; Salinas, 2020; Weisschuh, 2021). Based on the available evidence, this alteration is classified as pathogenic.

Blueprint Genetics
Classification: Pathogenic for OPA1-related disorders. Last evaluated: 2022-10-06. Review status: criteria provided, single submitter. Criteria: ACMG Guidelines, 2015. Collection method: clinical testing. Allele origin: germline. Affected: yes. Observed: 5 variant alleles.

DBGen Ocular Genomics
Classification: Pathogenic for Stargardt disease. Last evaluated: 2022-01-01. Review status: criteria provided, single submitter. Criteria: ACMG Guidelines, 2015. Collection method: clinical testing. Allele origin: unknown. Inheritance: Autosomal dominant inheritance. Affected: yes.
Comment: Class 5 ACMG Guidelines, 2015 (PMID:25741868)

MGZ Medical Genetics Center
Classification: Pathogenic for Autosomal dominant optic atrophy classic form. Last evaluated: 2021-11-29. Review status: criteria provided, single submitter. Criteria: ACMG Guidelines, 2015. Collection method: clinical testing. Allele origin: germline. Affected: yes. Observed: 1 variant allele.
Comment: ACMG criteria applied: PVS1, PS4_MOD, PM2_SUP

Institute of Medical Genetics and Applied Genomics, University Hospital Tübingen
Classification: Pathogenic. Last evaluated: 2020-10-23. Review status: criteria provided, single submitter. Criteria: ACMG Guidelines, 2015. Collection method: clinical testing. Allele origin: germline. Inheritance: Unknown mechanism. Affected: yes.

CeGaT Center for Human Genetics Tuebingen
Classification: Pathogenic. Last evaluated: 2018-12-01. Review status: criteria provided, single submitter. Criteria: CeGaT Center For Human Genetics Tuebingen Variant Classification Criteria Version 2. Collection method: clinical testing. Allele origin: germline. Affected: yes. Observed: 1 variant allele.

Eurofins Ntd Llc (ga)
Classification: Pathogenic. Last evaluated: 2016-06-27. Review status: criteria provided, single submitter. Criteria: EGL Classification Definitions 2015. Collection method: clinical testing. Allele origin: germline. Observed: 5 variant alleles, 5 heterozygotes.

Institute of Human Genetics, Univ. Regensburg, Univ. Regensburg
Classification: Pathogenic for Optic atrophy. Last evaluated: 2022-01-01. Review status: no assertion criteria provided. Criteria: ACMG Guidelines, 2015. Collection method: clinical testing. Allele origin: germline. Affected: yes. Not counted in ClinVar's aggregate classification.

Literature cited by the submitters: PubMed 11440988 (cited by Labcorp Genetics (formerly Invitae), Labcorp); PubMed 20157015 (cited by 4 submitters); PubMed 20952381 (cited by Labcorp Genetics (formerly Invitae), Labcorp); PubMed 25012220 (cited by Labcorp Genetics (formerly Invitae), Labcorp); PubMed 11440989 (cited by 4 submitters); PubMed 28005958 (cited by Labcorp Genetics (formerly Invitae), Labcorp and Ambry Genetics); PubMed 23384603 (cited by Athena Diagnostics); PubMed 33084218 (cited by Ambry Genetics); PubMed 34242285 (cited by Ambry Genetics).

NM_130837.3(OPA1):c.800_801del (p.Lys267fs)

Gene: OPA1 (OPA1 mitochondrial dynamin like GTPase; plus strand). Cytogenetic location: 3q29.
Variant type: Deletion.
Coding change: c.800_801del on transcript NM_130837.3 (MANE Select); coding-DNA positions 800 to 801, 2 bases deleted (AA; older notation c.800_801delAA).
Protein change: p.Lys267fs; shifts the reading frame from lysine 267.
Molecular consequence: frameshift variant.
Genome position (GRCh38, 1-based): chr3:193,631,622-193,631,623, AA deleted; deleting any 2 consecutive bases within chr3:193,631,621-193,631,623 gives the same sequence; the c. name uses the placement nearest the transcript's 3' end. VCF-style (leftmost placement, unchanged base first): chr3-193631620-CAA-C. GRCh37 (hg19) VCF-style: chr3-193349409-CAA-C.
Other names: c.635_636delAA (NM_015560.2); c.266_267del, p.Lys89fs (NM_001354663.2); c.263_264del, p.Lys88fs (NM_001354664.2); c.635_636del, p.Lys212fs (NM_015560.3); c.527_528del, p.Lys176fs (NM_130831.3); c.581_582del, p.Lys194fs (NM_130832.3); c.638_639del, p.Lys213fs (NM_130833.3); c.689_690del, p.Lys230fs (NM_130834.3); and 3 more; short protein forms K194fs, K213fs, K231fs, K267fs, K176fs, K230fs, K89fs, K249fs.
Identifiers: ClinVar variation 198219 (VCV000198219.64), dbSNP rs794727804, ClinGen allele CA275351.